The following is an entry in ClinVar:

ClinVar aggregate classification (germline): Likely benign (0 of 4 stars; one submission).

Conditions:
SETX-related disorder. Also called: SETX-related condition; SETX-related disorders. Identifiers: MedGen CN239403.

gnomAD v4.1: 1 of 1,613,722 alleles (0.000062%); highest among the groups gnomAD compares: East Asian, 0.0022%; no homozygotes.

Submission:

PreventionGenetics, part of Exact Sciences
Classification: Likely benign for SETX-related condition. Last evaluated: 2024-09-06. Review status: no assertion criteria provided. Collection method: clinical testing. Allele origin: germline.
Comment: This variant is classified as likely benign based on ACMG/AMP sequence variant interpretation guidelines (Richards et al. 2015 PMID: 25741868, with internal and published modifications).

NM_015046.7(SETX):c.6348T>A (p.Ile2116=)

Gene: SETX (senataxin; minus strand). Cytogenetic location: 9q34.13.
Variant type: single nucleotide variant.
Coding change: c.6348T>A on transcript NM_015046.7 (MANE Select); coding-DNA position 6348, T replaced by A.
Protein change: p.Ile2116=; no amino-acid change (isoleucine 2116 retained).
Molecular consequence: synonymous variant.
Genome position (GRCh38, 1-based): chr9:132,286,471, A>T on the plus strand (T>A on the coding strand, the complement: SETX is on the minus strand). VCF-style: chr9-132286471-A-T. GRCh37 (hg19) VCF-style: chr9-135161858-A-T.
Other names: c.6348T>A, p.Ile2116= (NM_001351527.2, NM_001351528.2).
Identifiers: ClinVar variation 3344848 (VCV003344848.1).
Genomic context (GRCh38, chr9:132,286,471, plus strand): 5'-TGAACTACTTACCTCTTTAATTTTAGAAGCAAGTTCCTGCCTTTCCTTAGAAACTTTGGA[A>T]ATGTTTTCATCTAATTCTTGCCTCTGGAAAAAAATTCAAATGTCACAATTAAAACTAAAC-3'
Protein context (NP_055861.3, residues 2106-2126): EIQRQELDEN[Ile2116=]SKVSKERQEL